The following is an entry in ClinVar:

NM_000038.6(APC):c.8145C>A (p.Thr2715=)

Gene: APC (APC regulator of Wnt signaling pathway; plus strand). Cytogenetic location: 5q22.2.
Variant type: single nucleotide variant.
Coding change: c.8145C>A on transcript NM_000038.6 (MANE Select); coding-DNA position 8145, C replaced by A.
Protein change: p.Thr2715=; no amino-acid change (threonine 2715 retained).
Molecular consequence: synonymous variant. On other transcripts: non-coding transcript variant (2).
Genome position (GRCh38, 1-based): chr5:112,843,739, C>A. VCF-style: chr5-112843739-C-A. GRCh37 (hg19) VCF-style: chr5-112179436-C-A.
Other names: c.8145C>A, p.Thr2715= (NM_001127510.3, NM_001354895.2, NM_001407450.1); c.8091C>A, p.Thr2697= (NM_001127511.3); c.8199C>A, p.Thr2733= (NM_001354896.2, NM_001407447.1, NM_001407448.1 and 1 more transcripts); c.8175C>A, p.Thr2725= (NM_001354897.2); c.8070C>A, p.Thr2690= (NM_001354898.2); c.8061C>A, p.Thr2687= (NM_001354899.2); c.8022C>A, p.Thr2674= (NM_001354900.2); c.7968C>A, p.Thr2656= (NM_001354901.2, NM_001407453.1); and 12 more.
Identifiers: ClinVar variation 3387128 (VCV003387128.2).

ClinVar aggregate classification (germline): Likely benign. Review status: criteria provided, multiple submitters, no conflicts (2 of 4 stars). 2 submissions from 2 submitters: Likely benign (2). Last evaluated 2025-08-09.

Conditions:
Classic or attenuated familial adenomatous polyposis. Identifiers: MedGen CN372698, MONDO:0021057.
Hereditary cancer-predisposing syndrome. Also called: Neoplastic Syndromes, Hereditary; Hereditary Cancer Syndrome; Tumor predisposition; Hereditary neoplastic syndrome. Identifiers: Orphanet 140162, MedGen C0027672, MeSH D009386, MONDO:0015356.

Submissions (2):

Ambry Genetics
Classification: Likely benign for Hereditary cancer-predisposing syndrome. Last evaluated: 2025-08-09. Review status: criteria provided, single submitter. Criteria: Ambry Variant Classification Scheme 2023. Collection method: clinical testing. Allele origin: germline.

All of Us Research Program, National Institutes of Health
Classification: Likely benign for Classic or attenuated familial adenomatous polyposis. Last evaluated: 2024-07-10. Review status: criteria provided, single submitter. Criteria: ACMG Guidelines, 2015. Collection method: clinical testing. Allele origin: germline. Inheritance: Autosomal dominant inheritance. Observed: 1 variant allele, 1 heterozygote.
Comment: This study involves interpretation of variants in research participants for the purpose of population health screening. Participant phenotype was not available at the time of variant classification. Additional details can be found in publication PMID: 35346344, PMCID: PMC8962531